The following is an entry in ClinVar:

NM_004260.4(RECQL4):c.559G>T (p.Asp187Tyr)

Gene: RECQL4 (RecQ like helicase 4; minus strand). Cytogenetic location: 8q24.3.
Variant type: single nucleotide variant.
Coding change: c.559G>T on transcript NM_004260.4 (MANE Select); coding-DNA position 559, G replaced by T.
Protein change: p.Asp187Tyr; replaces aspartic acid 187 with tyrosine.
Molecular consequence: missense variant.
Genome position (GRCh38, 1-based): chr8:144,516,560, C>A on the plus strand (G>T on the coding strand, the complement: RECQL4 is on the minus strand). VCF-style: chr8-144516560-C-A. GRCh37 (hg19) VCF-style: chr8-145741944-C-A.
Other names: c.559G>T, p.Asp187Tyr (NM_001413017.1, NM_001413018.1, NM_001413019.1 and 4 more transcripts); c.-513G>T (NM_001413037.1, NM_001413038.1, NM_001413040.1 and 5 more transcripts); c.-575G>T (NM_001413041.1, NM_001413027.1, NM_001413030.1 and 2 more transcripts); c.-782G>T (NM_001413043.1); c.430G>T, p.Asp144Tyr (NM_001413025.1); c.-417G>T (NM_001413034.1); short protein forms D144Y, D187Y.
Identifiers: ClinVar variation 1716151 (VCV001716151.5), dbSNP rs775849340, ClinGen allele CA372691036.
Genomic context (GRCh38, chr8:144,516,560, plus strand): 5'-CTTTGGGGGCCCCCAGAAAATCTGGGACCTCACTGTGACATCGCTGTAACCAGCCAGGAT[C>A]TAGGGAGCCCAGCCGCTGGCTCAGGGATGCCTGCAGATGCTGGAGCCGGCCTGGCCTTGG-3'
Protein context (NP_004251.4, residues 177-197): ASLSQRLGSL[Asp187Tyr]PGWLQRCHSE

ClinVar aggregate classification (germline): Uncertain significance (1 of 4 stars; one submission).

Conditions:
Baller-Gerold syndrome (BGS). Also called: CRANIOSYNOSTOSIS WITH RADIAL DEFECTS. Identifiers: Orphanet 1225, MedGen C0265308, MONDO:0009039, OMIM 218600.

Submission:

Labcorp Genetics (formerly Invitae), Labcorp
Classification: Uncertain significance for Baller-Gerold syndrome. Last evaluated: 2022-08-12. Review status: criteria provided, single submitter. Criteria: Invitae Variant Classification Sherloc (09022015). Collection method: clinical testing. Allele origin: germline.
Comment: This variant is not present in population databases (gnomAD no frequency). In summary, the available evidence is currently insufficient to determine the role of this variant in disease. Therefore, it has been classified as a Variant of Uncertain Significance. Experimental studies and prediction algorithms are not available or were not evaluated, and the functional significance of this variant is currently unknown. This variant has not been reported in the literature in individuals affected with RECQL4-related conditions. This sequence change replaces aspartic acid, which is acidic and polar, with tyrosine, which is neutral and polar, at codon 187 of the RECQL4 protein (p.Asp187Tyr).